The following is an entry in ClinVar:

NM_000088.4(COL1A1):c.1462G>A (p.Gly488Ser)

Gene: COL1A1 (collagen type I alpha 1 chain; minus strand). Cytogenetic location: 17q21.33.
Variant type: single nucleotide variant.
Coding change: c.1462G>A on transcript NM_000088.4 (MANE Select); coding-DNA position 1462, G replaced by A.
Protein change: p.Gly488Ser; replaces glycine 488 with serine.
Molecular consequence: missense variant.
Genome position (GRCh38, 1-based): chr17:50,194,626, C>T on the plus strand (G>A on the coding strand, the complement: COL1A1 is on the minus strand). VCF-style: chr17-50194626-C-T. GRCh37 (hg19) VCF-style: chr17-48271987-C-T.
Other names: short protein forms G488S.
Identifiers: ClinVar variation 452610 (VCV000452610.14), dbSNP rs1328384458, ClinGen allele CA400217541.

ClinVar aggregate classification (germline): Pathogenic/Likely pathogenic. Review status: criteria provided, multiple submitters, no conflicts (2 of 4 stars). 3 submissions from 3 submitters: Pathogenic (2); Likely pathogenic (1). Last evaluated 2025-07-16.

Conditions:
Osteogenesis imperfecta type I (OI1). Also called: OI, TYPE I; OSTEOGENESIS IMPERFECTA TARDA; OSTEOGENESIS IMPERFECTA WITH BLUE SCLERAE; Lobstein disease; Osteogenesis imperfecta type 1; Lobstein's Disease. Identifiers: Orphanet 216796, Orphanet 666, MedGen C0023931, MONDO:0008146, OMIM 166200. Disease mechanism: loss of function.
Osteogenesis imperfecta with normal sclerae, dominant form (OI4). Also called: OSTEOGENESIS IMPERFECTA, TYPE IV, WITH DENTINOGENESIS IMPERFECTA; OSTEOGENESIS IMPERFECTA WITH NORMAL SCLERAE; Osteogenesis Imperfecta Type IV; Osteogenesis imperfecta type 4; Common Variable Osteogenesis Imperfecta with Normal Sclerae. Identifiers: Orphanet 216820, Orphanet 666, MedGen C0268363, MONDO:0008148, OMIM 166220.

Submissions (3):

Clinical Biomedical Laboratory, Shriners Hospital For Children - Canada
Classification: Pathogenic for Osteogenesis imperfecta with normal sclerae, dominant form. Last evaluated: 2025-07-16. Review status: criteria provided, single submitter. Criteria: ACMG Guidelines, 2015. Collection method: clinical testing. Allele origin: germline. Affected: yes.
Comment: This variant is predicted to substitute a glycine residue by a serine residue in the triple helical domain of the collagen type I alpha 1 chain. In the Genome Aggregation Database (gnomAD v2.1.1) this variant is not present. Computational tools (REVEL: 0.984) suggest that the amino acid change is damaging to protein function. The affected nucleotide is conserved in evolution (PhyloP100 = 7.69, highly conserved). Glycine substitutions in the triple helical domain of the collagen type I alpha 1 chain cause disruption in the formation of the triple helix in the collagen type I molecule and are a typical cause of osteogenesis imperfecta (PMID 27509835).

Labcorp Genetics (formerly Invitae), Labcorp
Classification: Likely pathogenic for Osteogenesis imperfecta type I. Last evaluated: 2022-04-07. Review status: criteria provided, single submitter. Criteria: Invitae Variant Classification Sherloc (09022015). Collection method: clinical testing. Allele origin: germline.
Comment: This variant disrupts the triple helix domain of COL1A1. Glycine residues within the Gly-Xaa-Yaa repeats of the triple helix domain are required for the structure and stability of fibrillar collagens (PMID: 7695699, 8218237, 19344236). In COL1A1, variants affecting these glycine residues are significantly enriched in individuals with disease (PMID: 9016532, 17078022) compared to the general population (ExAC). In summary, the currently available evidence indicates that the variant is pathogenic, but additional data are needed to prove that conclusively. Therefore, this variant has been classified as Likely Pathogenic. This sequence change replaces glycine, which is neutral and non-polar, with serine, which is neutral and polar, at codon 488 of the COL1A1 protein (p.Gly488Ser). This variant has not been reported in the literature in individuals affected with COL1A1-related conditions. ClinVar contains an entry for this variant (Variation ID: 452610). Algorithms developed to predict the effect of missense changes on protein structure and function are either unavailable or do not agree on the potential impact of this missense change (SIFT: "Deleterious"; PolyPhen-2: "Not Available"; Align-GVGD: "Class C55"). This variant is not present in population databases (gnomAD no frequency).

GeneDx
Classification: Pathogenic. Last evaluated: 2021-06-17. Review status: criteria provided, single submitter. Criteria: GeneDx Variant Classification Process June 2021. Collection method: clinical testing. Allele origin: germline. Affected: yes.
Comment: Occurs in the triple helical domain and replaces the glycine in the canonical Gly-X-Y repeat; missense substitution of a canonical glycine residue is expected to disrupt normal protein folding and function, and this is an established mechanism of disease (Stenson et al., 2014); Not observed at significant frequency in large population cohorts (Lek et al., 2016); In silico analysis supports that this missense variant has a deleterious effect on protein structure/function; Has not been previously published as pathogenic or benign to our knowledge; This variant is associated with the following publications: (PMID: 27535533, 24077912)

Literature cited by the submitters: PubMed 27509835 (cited by Clinical Biomedical Laboratory, Shriners Hospital For Children - Canada); PubMed 7695699 (cited by Labcorp Genetics (formerly Invitae), Labcorp); PubMed 8218237 (cited by Labcorp Genetics (formerly Invitae), Labcorp); PubMed 19344236 (cited by Labcorp Genetics (formerly Invitae), Labcorp); PubMed 9016532 (cited by Labcorp Genetics (formerly Invitae), Labcorp); PubMed 17078022 (cited by Labcorp Genetics (formerly Invitae), Labcorp).